The following is an entry in ClinVar:

NM_001943.5(DSG2):c.2974A>G (p.Ile992Val)

Genes: DSG2 (desmoglein 2; plus strand), DSG2-AS1 (DSG2 antisense RNA 1; minus strand). Cytogenetic location: 18q12.1.
Variant type: single nucleotide variant.
Coding change: c.2974A>G on transcript NM_001943.5 (MANE Select); coding-DNA position 2974, A replaced by G.
Protein change: p.Ile992Val; replaces isoleucine 992 with valine.
Molecular consequence: missense variant.
Genome position (GRCh38, 1-based): chr18:31,546,360, A>G. VCF-style: chr18-31546360-A-G. GRCh37 (hg19) VCF-style: chr18-29126323-A-G.
Other names: c.2974A>G (LRG_397t1); short protein forms I992V.
Identifiers: ClinVar variation 466337 (VCV000466337.12), dbSNP rs933743259, ClinGen allele CA297702418.

ClinVar aggregate classification (germline): Uncertain significance. Review status: criteria provided, multiple submitters, no conflicts (2 of 4 stars). 3 submissions from 3 submitters: Uncertain significance (3). Last evaluated 2025-03-09.

Conditions:
Cardiovascular phenotype. Identifiers: MedGen CN230736.
Cardiomyopathy (CMYO). Also called: Cardiomyopathies. Identifiers: Orphanet 167848, MedGen C0878544, MONDO:0004994, HP:0001638. Inheritance: Various modes of inheritance.
Arrhythmogenic right ventricular dysplasia 10. Also called: Arrhythmogenic right ventricular dysplasia/cardiomyopathy, type 10; ARRHYTHMOGENIC RIGHT VENTRICULAR DYSPLASIA, FAMILIAL, 10; Arrhythmogenic Right Ventricular Dysplasia/Cardiomyopathy10. Identifiers: MedGen C1857777, MONDO:0012434, OMIM 610193.

Allele frequency attached by ClinVar (database versions not stated): gnomAD exomes below 0.00001; TOPMed below 0.00001.
gnomAD v4.1: 2 of 1,613,894 alleles (0.00012%); highest among the groups gnomAD compares: Non-Finnish European, 0.00017%; no homozygotes.

Submissions (3):

Labcorp Genetics (formerly Invitae), Labcorp
Classification: Uncertain significance for Arrhythmogenic right ventricular dysplasia 10. Last evaluated: 2025-03-09. Review status: criteria provided, single submitter. Criteria: Invitae Variant Classification Sherloc (09022015). Collection method: clinical testing. Allele origin: germline.
Comment: This sequence change replaces isoleucine, which is neutral and non-polar, with valine, which is neutral and non-polar, at codon 992 of the DSG2 protein (p.Ile992Val). This variant is not present in population databases (gnomAD no frequency). This variant has not been reported in the literature in individuals affected with DSG2-related conditions. ClinVar contains an entry for this variant (Variation ID: 466337). Invitae Evidence Modeling of protein sequence and biophysical properties (such as structural, functional, and spatial information, amino acid conservation, physicochemical variation, residue mobility, and thermodynamic stability) indicates that this missense variant is not expected to disrupt DSG2 protein function with a negative predictive value of 95%. In summary, the available evidence is currently insufficient to determine the role of this variant in disease. Therefore, it has been classified as a Variant of Uncertain Significance.

Color Diagnostics, LLC DBA Color Health
Classification: Uncertain significance for Cardiomyopathy. Last evaluated: 2024-03-06. Review status: criteria provided, single submitter. Criteria: ACMG Guidelines, 2015. Collection method: clinical testing. Allele origin: germline.
Comment: This missense variant replaces isoleucine with valine at codon 992 of the DSG2 protein. Computational prediction suggests that this variant may not impact protein structure and function (internally defined REVEL score threshold <= 0.5, PMID: 27666373). To our knowledge, functional studies have not been reported for this variant. This variant has not been reported in individuals affected with cardiovascular disorders in the literature. This variant has not been identified in the general population by the Genome Aggregation Database (gnomAD). The available evidence is insufficient to determine the role of this variant in disease conclusively. Therefore, this variant is classified as a Variant of Uncertain Significance.

Ambry Genetics
Classification: Uncertain significance for Cardiovascular phenotype. Last evaluated: 2022-10-27. Review status: criteria provided, single submitter. Criteria: Ambry Variant Classification Scheme 2023. Collection method: clinical testing. Allele origin: germline.
Comment: The p.I992V variant (also known as c.2974A>G), located in coding exon 15 of the DSG2 gene, results from an A to G substitution at nucleotide position 2974. The isoleucine at codon 992 is replaced by valine, an amino acid with highly similar properties. This amino acid position is conserved. In addition, this alteration is predicted to be tolerated by in silico analysis. Since supporting evidence is limited at this time, the clinical significance of this alteration remains unclear.